The following is an entry in ClinVar:

NM_001127208.3(TET2):c.4079T>G (p.Leu1360Arg)

Genes: TET2 (tet methylcytosine dioxygenase 2; plus strand), TET2-AS1 (TET2 antisense RNA 1; minus strand). Cytogenetic location: 4q24.
Variant type: single nucleotide variant.
Coding change: c.4079T>G on transcript NM_001127208.3 (MANE Select); coding-DNA position 4079, T replaced by G.
Protein change: p.Leu1360Arg; replaces leucine 1360 with arginine.
Molecular consequence: missense variant.
Genome position (GRCh38, 1-based): chr4:105,269,644, T>G. VCF-style: chr4-105269644-T-G. GRCh37 (hg19) VCF-style: chr4-106190801-T-G.
Other names: short protein forms L1360R.
Identifiers: ClinVar variation 2815292 (VCV002815292.3), dbSNP rs1730853204, ClinGen allele CA357809397.

ClinVar aggregate classification (germline): Uncertain significance (1 of 4 stars; one submission).

Submission:

Labcorp Genetics (formerly Invitae), Labcorp
Classification: Uncertain significance. Last evaluated: 2023-06-25. Review status: criteria provided, single submitter. Criteria: Invitae Variant Classification Sherloc (09022015). Collection method: clinical testing. Allele origin: germline.
Comment: In summary, the available evidence is currently insufficient to determine the role of this variant in disease. Therefore, it has been classified as a Variant of Uncertain Significance. An algorithm developed to predict the effect of missense changes on protein structure and function (PolyPhen-2) suggests that this variant is likely to be disruptive. This variant has not been reported in the literature in individuals affected with TET2-related conditions. This variant is not present in population databases (gnomAD no frequency). This sequence change replaces leucine, which is neutral and non-polar, with arginine, which is basic and polar, at codon 1360 of the TET2 protein (p.Leu1360Arg).